The following is an entry in ClinVar:

NM_024675.4(PALB2):c.1316G>C (p.Gly439Ala)

Gene: PALB2 (partner and localizer of BRCA2; minus strand). Cytogenetic location: 16p12.2.
Variant type: single nucleotide variant.
Coding change: c.1316G>C on transcript NM_024675.4 (MANE Select); coding-DNA position 1316, G replaced by C.
Protein change: p.Gly439Ala; replaces glycine 439 with alanine.
Molecular consequence: missense variant.
Genome position (GRCh38, 1-based): chr16:23,635,230, C>G on the plus strand (G>C on the coding strand, the complement: PALB2 is on the minus strand). VCF-style: chr16-23635230-C-G. GRCh37 (hg19) VCF-style: chr16-23646551-C-G.
Other names: short protein forms G439A.
Identifiers: ClinVar variation 818890 (VCV000818890.19), dbSNP rs537258442, ClinGen allele CA395132361.

ClinVar aggregate classification (germline): Conflicting classifications of pathogenicity. Review status: criteria provided, conflicting classifications (1 of 4 stars). 7 submissions from 7 submitters: Uncertain significance (6); Benign (1). Last evaluated 2026-08-14.

Conditions:
PALB2-related disorder. Also called: PALB2-related disorders; PALB2-related condition.
Hereditary cancer-predisposing syndrome. Also called: Tumor predisposition; Hereditary Cancer Syndrome; Neoplastic Syndromes, Hereditary; Hereditary neoplastic syndrome. Identifiers: Orphanet 140162, MedGen C0027672, MeSH D009386, MONDO:0015356.
Familial cancer of breast. Also called: BREAST CANCER, FAMILIAL; Hereditary breast cancer; hereditary breast carcinoma. Identifiers: Orphanet 227535, MedGen C0346153, MONDO:0016419, OMIM 114480. Disease mechanism: loss of function.

gnomAD v4.1: 6 of 1,614,048 alleles (0.00037%); highest among the groups gnomAD compares: Admixed American, 0.0033%; no homozygotes.

Submissions (7):

Ambry Genetics
Classification: Benign for Hereditary cancer-predisposing syndrome. Last evaluated: 2026-08-14. Review status: criteria provided, single submitter. Criteria: Ambry Variant Classification Scheme 2023. Collection method: clinical testing. Allele origin: germline.

PreventionGenetics, part of Exact Sciences
Classification: Uncertain significance for PALB2-related condition. Last evaluated: 2026-05-20. Review status: criteria provided, single submitter. Criteria: ACMG Guidelines, 2015. Collection method: clinical testing. Allele origin: germline.
Comment: The PALB2 c.1316G>C variant is predicted to result in the amino acid substitution p.Gly439Ala. To our knowledge, this variant has not been reported in the literature. This variant is reported in 0.0029% of alleles in individuals of Latino descent in gnomAD and is classified as uncertain in ClinVar (Variation ID: 818890). At this time, the clinical significance of this variant is uncertain due to the absence of conclusive functional and genetic evidence.

Labcorp Genetics (formerly Invitae), Labcorp
Classification: Uncertain significance for Familial cancer of breast. Last evaluated: 2025-06-05. Review status: criteria provided, single submitter. Criteria: Invitae Variant Classification Sherloc (09022015). Collection method: clinical testing. Allele origin: germline.
Comment: This sequence change replaces glycine, which is neutral and non-polar, with alanine, which is neutral and non-polar, at codon 439 of the PALB2 protein (p.Gly439Ala). This variant is present in population databases (no rsID available, gnomAD 0.003%). This variant has not been reported in the literature in individuals affected with PALB2-related conditions. ClinVar contains an entry for this variant (Variation ID: 818890). Invitae Evidence Modeling of protein sequence and biophysical properties (such as structural, functional, and spatial information, amino acid conservation, physicochemical variation, residue mobility, and thermodynamic stability) has been performed for this missense variant. However, the output from this modeling did not meet the statistical confidence thresholds required to predict the impact of this variant on PALB2 protein function. In summary, the available evidence is currently insufficient to determine the role of this variant in disease. Therefore, it has been classified as a Variant of Uncertain Significance.

Molecular Pathology, Peter Maccallum Cancer Centre
Classification: Uncertain significance for Familial cancer of breast. Last evaluated: 2024-07-02. Review status: criteria provided, single submitter. Criteria: ACMG Guidelines, 2015. Collection method: clinical testing. Allele origin: germline. Inheritance: Autosomal dominant inheritance.

Baylor Genetics
Classification: Uncertain significance for Familial cancer of breast. Last evaluated: 2023-09-25. Review status: criteria provided, single submitter. Criteria: ACMG Guidelines, 2015. Collection method: clinical testing. Allele origin: unknown.

GeneDx
Classification: Uncertain significance. Last evaluated: 2019-06-11. Review status: criteria provided, single submitter. Criteria: GeneDx Variant Classification Process June 2021. Collection method: clinical testing. Allele origin: germline. Affected: yes.
Comment: Not observed at a significant frequency in large population cohorts (Lek et al., 2016); In silico analysis, which includes protein predictors and evolutionary conservation, supports a deleterious effect; Has not been previously published as pathogenic or benign to our knowledge

Color Diagnostics, LLC DBA Color Health
Classification: Uncertain significance for Hereditary cancer-predisposing syndrome. Last evaluated: 2019-05-02. Review status: criteria provided, single submitter. Criteria: ACMG Guidelines, 2015. Collection method: clinical testing. Allele origin: germline.